The following is an entry in ClinVar:

NM_016239.4(MYO15A):c.8060C>G (p.Ala2687Gly)

Gene: MYO15A (myosin XVA; plus strand). Cytogenetic location: 17p11.2.
Variant type: single nucleotide variant.
Coding change: c.8060C>G on transcript NM_016239.4 (MANE Select); coding-DNA position 8060, C replaced by G.
Protein change: p.Ala2687Gly; replaces alanine 2687 with glycine.
Molecular consequence: missense variant.
Genome position (GRCh38, 1-based): chr17:18,153,868, C>G. VCF-style: chr17-18153868-C-G. GRCh37 (hg19) VCF-style: chr17-18057182-C-G.
Other names: short protein forms A2687G.
Identifiers: ClinVar variation 3767730 (VCV003767730.1).

ClinVar aggregate classification (germline): Uncertain significance (1 of 4 stars; one submission).

Submission:

GeneDx
Classification: Uncertain significance. Last evaluated: 2024-09-10. Review status: criteria provided, single submitter. Criteria: GeneDx Variant Classification Process June 2021. Collection method: clinical testing. Allele origin: germline. Affected: yes.
Comment: Not observed at significant frequency in large population cohorts (gnomAD); In silico analysis supports that this missense variant has a deleterious effect on protein structure/function; Has not been previously published as pathogenic or benign to our knowledge